The following is an entry in ClinVar:

ClinVar aggregate classification (germline): Likely benign. Review status: criteria provided, multiple submitters, no conflicts (2 of 4 stars). 3 submissions from 3 submitters: Likely benign (2). 1 of the submissions does not count toward it. Last evaluated 2025-09-23.

Conditions:
ADAMTS18-related disorder. Also called: ADAMTS18-related condition.

Allele frequency attached by ClinVar (database versions not stated): TOPMed 0.00002; gnomAD exomes 0.00003; ExAC 0.00004; gnomAD 0.00005 and 0.00006; ESP Exome Variant Server 0.00008.
gnomAD v4.1: 50 of 1,613,808 alleles (0.0031%); highest among the groups gnomAD compares: Middle Eastern, 0.016%; no homozygotes.

Submissions (3):

Labcorp Genetics (formerly Invitae), Labcorp
Classification: Likely benign. Last evaluated: 2025-09-23. Review status: criteria provided, single submitter. Criteria: Invitae Variant Classification Sherloc (09022015). Collection method: clinical testing. Allele origin: germline.

Blueprint Genetics
Classification: Likely benign. Last evaluated: 2024-10-02. Review status: criteria provided, single submitter. Criteria: ACMG Guidelines, 2015. Collection method: clinical testing. Allele origin: germline.

PreventionGenetics, part of Exact Sciences
Classification: Likely benign for ADAMTS18-related condition. Last evaluated: 2019-09-18. Review status: no assertion criteria provided. Collection method: clinical testing. Allele origin: germline. Not counted in ClinVar's aggregate classification.
Comment: This variant is classified as likely benign based on ACMG/AMP sequence variant interpretation guidelines (Richards et al. 2015 PMID: 25741868, with internal and published modifications).

NM_199355.4(ADAMTS18):c.1017C>T (p.Asn339=)

Gene: ADAMTS18 (ADAM metallopeptidase with thrombospondin type 1 motif 18; minus strand). Cytogenetic location: 16q23.1.
Variant type: single nucleotide variant.
Coding change: c.1017C>T on transcript NM_199355.4 (MANE Select); coding-DNA position 1017, C replaced by T.
Protein change: p.Asn339=; no amino-acid change (asparagine 339 retained).
Molecular consequence: synonymous variant.
Genome position (GRCh38, 1-based): chr16:77,363,841, G>A on the plus strand (C>T on the coding strand, the complement: ADAMTS18 is on the minus strand). VCF-style: chr16-77363841-G-A. GRCh37 (hg19) VCF-style: chr16-77397738-G-A.
Other names: c.1017C>T (NM_199355.3); c.501C>T, p.Asn167= (NM_001326358.2).
Identifiers: ClinVar variation 1155392 (VCV001155392.12), dbSNP rs373600403, ClinGen allele CA8181475.